The following is an entry in ClinVar:

ClinVar aggregate classification (germline): Likely benign (0 of 4 stars; one submission).

Conditions:
CACNA1F-related disorder. Also called: CACNA1F-related condition.

Allele frequency attached by ClinVar (database versions not stated): TOPMed below 0.00001; ExAC 0.00001; gnomAD 0.00002.
gnomAD v4.1: 3 of 1,210,368 alleles (0.00025%); highest among the groups gnomAD compares: Non-Finnish European, 0.00022%; no homozygotes.

Submission:

PreventionGenetics, part of Exact Sciences
Classification: Likely benign for CACNA1F-related condition. Last evaluated: 2023-06-16. Review status: no assertion criteria provided. Collection method: clinical testing. Allele origin: germline.
Comment: This variant is classified as likely benign based on ACMG/AMP sequence variant interpretation guidelines (Richards et al. 2015 PMID: 25741868, with internal and published modifications).

NM_001256789.3(CACNA1F):c.180G>A (p.Val60=)

Gene: CACNA1F (calcium voltage-gated channel subunit alpha1 F; minus strand). Cytogenetic location: Xp11.23.
Variant type: single nucleotide variant.
Coding change: c.180G>A on transcript NM_001256789.3 (MANE Select); coding-DNA position 180, G replaced by A.
Protein change: p.Val60=; no amino-acid change (valine 60 retained).
Molecular consequence: synonymous variant. On other transcripts: intron variant (1).
Genome position (GRCh38, 1-based): chrX:49,231,773, C>T on the plus strand (G>A on the coding strand, the complement: CACNA1F is on the minus strand). VCF-style: chrX-49231773-C-T. GRCh37 (hg19) VCF-style: chrX-49088235-C-T.
Other names: c.180G>A, p.Val60= (NM_005183.4); c.66-81G>A (NM_001256790.3).
Identifiers: ClinVar variation 3044746 (VCV003044746.2), dbSNP rs782458190, ClinGen allele CA10411125.